The following is an entry in ClinVar:

ClinVar aggregate classification (germline): Uncertain significance (1 of 4 stars; one submission).

Conditions:
Hereditary cancer-predisposing syndrome. Also called: Neoplastic Syndromes, Hereditary; Tumor predisposition; Hereditary Cancer Syndrome; Hereditary neoplastic syndrome. Identifiers: Orphanet 140162, MedGen C0027672, MeSH D009386, MONDO:0015356.

gnomAD v4.1: 1 of 1,606,614 alleles (0.000062%); highest among the groups gnomAD compares: Non-Finnish European, 0.000085%; no homozygotes.

Submission:

Ambry Genetics
Classification: Uncertain significance for Hereditary cancer-predisposing syndrome. Last evaluated: 2025-01-06. Review status: criteria provided, single submitter. Criteria: Ambry Variant Classification Scheme 2023. Collection method: clinical testing. Allele origin: germline.
Comment: The p.R29L variant (also known as c.86G>T), located in coding exon 1 of the CDKN2A (p14ARF) gene, results from a G to T substitution at nucleotide position 86. The arginine at codon 29 is replaced by leucine, an amino acid with dissimilar properties. This amino acid position is well conserved in available vertebrate species. The evidence supporting a relationship between p14(ARF) and melanoma-pancreatic cancer syndrome is limited; therefore, the clinical significance of this variant remains unclear.

NM_058195.4(CDKN2A):c.86G>T (p.Arg29Leu)

Gene: CDKN2A (cyclin dependent kinase inhibitor 2A; minus strand). Cytogenetic location: 9p21.3.
Variant type: single nucleotide variant.
Coding change: c.86G>T on transcript NM_058195.4 (MANE Plus Clinical); coding-DNA position 86, G replaced by T.
Protein change: p.Arg29Leu; replaces arginine 29 with leucine.
Molecular consequence: missense variant. On other transcripts: intron variant (1).
Genome position (GRCh38, 1-based): chr9:21,994,246, C>A on the plus strand (G>T on the coding strand, the complement: CDKN2A is on the minus strand). VCF-style: chr9-21994246-C-A. GRCh37 (hg19) VCF-style: chr9-21994245-C-A.
Other names: c.-4+575G>T (NM_001363763.2); short protein forms R29L.
Identifiers: ClinVar variation 3830980 (VCV003830980.1).